The following is an entry in ClinVar:

ClinVar aggregate classification (germline): Benign/Likely benign. Review status: criteria provided, multiple submitters, no conflicts (2 of 4 stars). 3 submissions from 3 submitters: Benign (1); Likely benign (2). Last evaluated 2025-11-23.

Conditions:
Hereditary cancer-predisposing syndrome. Also called: Tumor predisposition; Hereditary Cancer Syndrome; Hereditary neoplastic syndrome; Neoplastic Syndromes, Hereditary. Identifiers: Orphanet 140162, MedGen C0027672, MeSH D009386, MONDO:0015356.
Familial adenomatous polyposis 1 (FAP1). Also called: FAMILIAL ADENOMATOUS POLYPOSIS 1, ATTENUATED; POLYPOSIS, ADENOMATOUS INTESTINAL. Identifiers: MedGen C2713442, MONDO:0021056, OMIM 175100. Disease mechanism: loss of function.

Submissions (3):

Labcorp Genetics (formerly Invitae), Labcorp
Classification: Likely benign for Familial adenomatous polyposis 1. Last evaluated: 2025-11-23. Review status: criteria provided, single submitter. Criteria: Invitae Variant Classification Sherloc (09022015). Collection method: clinical testing. Allele origin: germline.

Myriad Genetics, Inc.
Classification: Benign for Familial adenomatous polyposis 1. Last evaluated: 2024-02-26. Review status: criteria provided, single submitter. Criteria: Myriad Autosomal Dominant, Autosomal Recessive and X-Linked Classification Criteria (2023). Collection method: clinical testing. Allele origin: unknown.
Comment: This variant is considered benign. This variant is a silent/synonymous amino acid change and it is not expected to impact splicing.

Ambry Genetics
Classification: Likely benign for Hereditary cancer-predisposing syndrome. Last evaluated: 2023-12-22. Review status: criteria provided, single submitter. Criteria: Ambry Variant Classification Scheme 2023. Collection method: clinical testing. Allele origin: germline.

NM_000038.6(APC):c.753A>G (p.Glu251=)

Gene: APC (APC regulator of Wnt signaling pathway; plus strand). Cytogenetic location: 5q22.2.
Variant type: single nucleotide variant.
Coding change: c.753A>G on transcript NM_000038.6 (MANE Select); coding-DNA position 753, A replaced by G.
Protein change: p.Glu251=; no amino-acid change (glutamic acid 251 retained).
Molecular consequence: synonymous variant. On other transcripts: 5 prime UTR variant (1).
Genome position (GRCh38, 1-based): chr5:112,801,302, A>G. VCF-style: chr5-112801302-A-G. GRCh37 (hg19) VCF-style: chr5-112136999-A-G.
Other names: c.753A>G, p.Glu251= (NM_001127510.3, NM_001354895.2, NM_001354896.2 and 1 more transcripts); c.699A>G, p.Glu233= (NM_001127511.3); c.783A>G, p.Glu261= (NM_001354897.2, NM_001354902.2); c.678A>G, p.Glu226= (NM_001354898.2, NM_001354904.2); c.669A>G, p.Glu223= (NM_001354899.2); c.576A>G, p.Glu192= (NM_001354900.2, NM_001354901.2, NM_001354905.2); c.-283A>G (NM_001354906.2).
Identifiers: ClinVar variation 537690 (VCV000537690.11), dbSNP rs1554076143, ClinGen allele CA445755615.